The following is an entry in ClinVar:

NM_001267550.2(TTN):c.89567A>G (p.Asp29856Gly)

Genes: TTN (titin; minus strand), TTN-AS1 (TTN antisense RNA 1; plus strand). Cytogenetic location: 2q31.2.
Variant type: single nucleotide variant.
Coding change: c.89567A>G on transcript NM_001267550.2 (MANE Select); coding-DNA position 89567, A replaced by G.
Protein change: p.Asp29856Gly; replaces aspartic acid 29856 with glycine.
Molecular consequence: missense variant.
Genome position (GRCh38, 1-based): chr2:178,553,333, T>C on the plus strand (A>G on the coding strand, the complement: TTN is on the minus strand). VCF-style: chr2-178553333-T-C. GRCh37 (hg19) VCF-style: chr2-179418060-T-C.
Other names: c.84644A>G, p.Asp28215Gly (NM_001256850.1); c.62372A>G, p.Asp20791Gly (NM_003319.4); c.81863A>G, p.Asp27288Gly (NM_133378.4); c.62747A>G, p.Asp20916Gly (NM_133432.3); c.62948A>G, p.Asp20983Gly (NM_133437.4); short protein forms D20791G, D20916G, D20983G, D27288G, D28215G, D29856G.
Identifiers: ClinVar variation 1192193 (VCV001192193.2), dbSNP rs1700105269, ClinGen allele CA349517660.
Genomic context (GRCh38, chr2:178,553,333, plus strand): 5'-TCTTTTCTCCATGTGACAGTAGGTGGAGGTCTGCCTTTAAAGGGAATCAACACTTGTACA[T>C]CTTCACCAGCTTTGGCAATAACAGAAGTTCTGAGAGCCACATCCAGGTCAATCTCTGGTG-3'
Protein context (NP_001254479.2, residues 29846-29866): RTSVIAKAGE[Asp29856Gly]VQVLIPFKGR

ClinVar aggregate classification (germline): Uncertain significance. Review status: criteria provided, multiple submitters, no conflicts (2 of 4 stars). 2 submissions from 2 submitters: Uncertain significance (2). Last evaluated 2021-07-19.

Conditions:
Myopathy, myofibrillar, 9, with early respiratory failure (MFM9). Also called: EDSTROM MYOPATHY; MYOPATHY, PROXIMAL, WITH EARLY RESPIRATORY MUSCLE INVOLVEMENT; Hereditary myopathy with early respiratory failure; Myopathy, distal, with early respiratory failure, autosomal dominant. Identifiers: Orphanet 178464, Orphanet 34521, MedGen C1863599, MONDO:0011362, OMIM 603689.
Hypertrophic cardiomyopathy 9. Also called: Familial hypertrophic cardiomyopathy 9. Identifiers: MedGen C1861065, MONDO:0013412, OMIM 613765.
Dilated cardiomyopathy 1G (CMD1G). Identifiers: Orphanet 154, MedGen C1858763, MONDO:0011400, OMIM 604145.
Tibial muscular dystrophy (TMD). Also called: Udd Distal Myopathy – Tibial Muscular Dystrophy; UDD MYOPATHY; Tibial muscular dystrophy, tardive. Identifiers: Orphanet 609, MedGen C1838244, MONDO:0010870, OMIM 600334.
Early-onset myopathy with fatal cardiomyopathy (CMYO5). Also called: Salih Myopathy; CONGENITAL MYOPATHY 5 WITH CARDIOMYOPATHY. Identifiers: Orphanet 289377, MedGen C2673677, MONDO:0012714, OMIM 611705. Disease mechanism: loss of function.
Autosomal recessive limb-girdle muscular dystrophy type 2J (LGMDR10). Also called: Limb-girdle muscular dystrophy, type 2J; MUSCULAR DYSTROPHY, LIMB-GIRDLE, AUTOSOMAL RECESSIVE 10. Identifiers: Orphanet 140922, MedGen C1837342, MONDO:0012127, OMIM 608807.

Submissions (2):

Women's Health and Genetics/Laboratory Corporation of America, LabCorp
Classification: Uncertain significance. Last evaluated: 2021-07-19. Review status: criteria provided, single submitter. Criteria: LabCorp Variant Classification Summary - May 2015. Collection method: clinical testing. Allele origin: germline.
Comment: Variant summary: TTN c.81863A>G (p.Asp27288Gly) results in a non-conservative amino acid change located in the A-band domain of the encoded protein sequence. Three of five in-silico tools predict a damaging effect of the variant on protein function. The variant was absent in 242280 control chromosomes (gnomAD). The available data on variant occurrences in the general population are insufficient to allow any conclusion about variant significance. To our knowledge, no occurrence of c.81863A>G in individuals affected with Dilated Cardiomyopathy and no experimental evidence demonstrating its impact on protein function have been reported. No clinical diagnostic laboratories have submitted clinical-significance assessments for this variant to ClinVar after 2014. Based on the evidence outlined above, the variant was classified as uncertain significance.

Fulgent Genetics
Classification: Uncertain significance for Tibial muscular dystrophy; Myopathy, myofibrillar, 9, with early respiratory failure; Dilated cardiomyopathy 1G; Autosomal recessive limb-girdle muscular dystrophy type 2J; Early-onset myopathy with fatal cardiomyopathy; Hypertrophic cardiomyopathy 9. Last evaluated: 2021-07-14. Review status: criteria provided, single submitter. Criteria: ACMG Guidelines, 2015. Collection method: clinical testing. Allele origin: unknown.